The following is an entry in ClinVar:

ClinVar aggregate classification (germline): Benign (3 of 4 stars; one submission).

Conditions:
Breast-ovarian cancer, familial, susceptibility to, 1 (BROVCA1). Also called: BRCA1 Hereditary Breast and Ovarian Cancer; OVARIAN CANCER, SUSCEPTIBILITY TO. Identifiers: Orphanet 145, MedGen C2676676, MONDO:0011450, OMIM 604370. Disease mechanism: loss of function.

Allele frequency attached by ClinVar (database versions not stated): gnomAD 0.00005 and 0.00064; TOPMed 0.00014; 1000 Genomes Project 30x 0.00406; 1000 Genomes Project 0.00499.
gnomAD v4.1: 96 of 152,230 alleles (0.063%); highest among the groups gnomAD compares: South Asian, 1.8%; 1 homozygote.

Submission:

Evidence-based Network for the Interpretation of Germline Mutant Alleles (ENIGMA)
Classification: Benign for Breast-ovarian cancer, familial, susceptibility to, 1. Last evaluated: 2016-09-28. Review status: reviewed by expert panel. Criteria: ENIGMA BRCA1/2 Classification Criteria (2015). Collection method: curation. Allele origin: germline.
Comment: Class 1 not pathogenic based on frequency >1% in an outbred sampleset. Frequency 0.0256 (South Asian), derived from 1000 genomes (2013-05-02).

NM_007294.4(BRCA1):c.4186-2187C>T

Gene: BRCA1 (BRCA1 DNA repair associated; minus strand). Cytogenetic location: 17q21.31.
Variant type: single nucleotide variant.
Coding change: c.4186-2187C>T on transcript NM_007294.4 (MANE Select); 2187 bases into the intron before coding-DNA position 4186, C replaced by T.
Molecular consequence: intron variant.
Genome position (GRCh38, 1-based): chr17:43,084,762, G>A on the plus strand (C>T on the coding strand, the complement: BRCA1 is on the minus strand). VCF-style: chr17-43084762-G-A. GRCh37 (hg19) VCF-style: chr17-41236779-G-A.
Other names: c.736-2187C>T (NM_001408458.1, NM_001408453.1, NM_001408461.1 and 8 more transcripts); c.3298-2187C>T (NM_001407967.1, NM_001407966.1); c.3805-2187C>T (NM_001407959.1, NM_001407960.1); c.3919-2187C>T (NM_001407931.1, NM_001407932.1, NM_001407936.1 and 1 more transcripts); c.4042-2187C>T (NM_001407747.1, NM_001407839.1, NM_001407745.1 and 17 more transcripts); c.3802-2187C>T (NM_001407962.1); c.373-2187C>T (NM_001408512.1); c.496-2187C>T (NM_001408510.1); and 64 more.
Identifiers: ClinVar variation 264853 (VCV000264853.2), dbSNP rs562679568, ClinGen allele CA10588220.